The following is an entry in ClinVar:

NM_001184.4(ATR):c.4780C>A (p.His1594Asn)

Gene: ATR (ATR checkpoint kinase; minus strand). Cytogenetic location: 3q23.
Variant type: single nucleotide variant.
Coding change: c.4780C>A on transcript NM_001184.4 (MANE Select); coding-DNA position 4780, C replaced by A.
Protein change: p.His1594Asn; replaces histidine 1594 with asparagine.
Molecular consequence: missense variant.
Genome position (GRCh38, 1-based): chr3:142,512,332, G>T on the plus strand (C>A on the coding strand, the complement: ATR is on the minus strand). VCF-style: chr3-142512332-G-T. GRCh37 (hg19) VCF-style: chr3-142231174-G-T.
Other names: c.4588C>A, p.His1530Asn (NM_001354579.2); short protein forms H1530N, H1594N.
Identifiers: ClinVar variation 1743047 (VCV001743047.4), dbSNP rs2032620454, ClinGen allele CA354795321.

ClinVar aggregate classification (germline): Uncertain significance. Review status: criteria provided, multiple submitters, no conflicts (2 of 4 stars). 2 submissions from 2 submitters: Uncertain significance (2). Last evaluated 2026-01-25.

Conditions:
Inborn genetic diseases. Identifiers: MedGen C0950123, MeSH D030342.

Submissions (2):

Labcorp Genetics (formerly Invitae), Labcorp
Classification: Uncertain significance. Last evaluated: 2026-01-25. Review status: criteria provided, single submitter. Criteria: Invitae Variant Classification Sherloc (09022015). Collection method: clinical testing. Allele origin: germline.
Comment: This sequence change replaces histidine, which is basic and polar, with asparagine, which is neutral and polar, at codon 1594 of the ATR protein (p.His1594Asn). This variant is not present in population databases (gnomAD no frequency). This variant has not been reported in the literature in individuals affected with ATR-related conditions. ClinVar contains an entry for this variant (Variation ID: 1743047). An algorithm developed to predict the effect of missense changes on protein structure and function outputs the following: PolyPhen-2: "Benign". The asparagine amino acid residue is found in multiple mammalian species, which suggests that this missense change does not adversely affect protein function. In summary, the available evidence is currently insufficient to determine the role of this variant in disease. Therefore, it has been classified as a Variant of Uncertain Significance.

Ambry Genetics
Classification: Uncertain significance for Inborn genetic diseases. Last evaluated: 2024-08-13. Review status: criteria provided, single submitter. Criteria: Ambry Variant Classification Scheme 2023. Collection method: clinical testing. Allele origin: germline.
Comment: The p.H1594N variant (also known as c.4780C>A), located in coding exon 27 of the ATR gene, results from a C to A substitution at nucleotide position 4780. The histidine at codon 1594 is replaced by asparagine, an amino acid with similar properties. This amino acid position is conserved. In addition, this alteration is predicted to be tolerated by in silico analysis. Since supporting evidence is limited at this time, the clinical significance of this alteration remains unclear.